The following is an entry in ClinVar:

NM_001378778.1(MPDZ):c.2154+4A>C

Gene: MPDZ (multiple PDZ domain crumbs cell polarity complex component; minus strand). Cytogenetic location: 9p23.
Variant type: single nucleotide variant.
Coding change: c.2154+4A>C on transcript NM_001378778.1 (MANE Select); 4 bases into the intron after coding-DNA position 2154, A replaced by C.
Molecular consequence: intron variant.
Genome position (GRCh38, 1-based): chr9:13,190,110, T>G on the plus strand (A>C on the coding strand, the complement: MPDZ is on the minus strand). VCF-style: chr9-13190110-T-G. GRCh37 (hg19) VCF-style: chr9-13190109-T-G.
Other names: c.2154+4A>C (NM_001375425.1, NM_001375420.1, NM_001375419.1 and 14 more transcripts).
Identifiers: ClinVar variation 2087793 (VCV002087793.4), dbSNP rs201754677, ClinGen allele CA189285114.

ClinVar aggregate classification (germline): Uncertain significance (1 of 4 stars; one submission).

Allele frequency attached by ClinVar (database versions not stated): TOPMed below 0.00001.
gnomAD v4.1: 11 of 1,609,848 alleles (0.00068%); highest among the groups gnomAD compares: Non-Finnish European, 0.00093%; no homozygotes.

Submission:

Labcorp Genetics (formerly Invitae), Labcorp
Classification: Uncertain significance. Last evaluated: 2022-03-09. Review status: criteria provided, single submitter. Criteria: Invitae Variant Classification Sherloc (09022015). Collection method: clinical testing. Allele origin: germline.
Comment: This variant is not present in population databases (gnomAD no frequency). In summary, the available evidence is currently insufficient to determine the role of this variant in disease. Therefore, it has been classified as a Variant of Uncertain Significance. Variants that disrupt the consensus splice site are a relatively common cause of aberrant splicing (PMID: 17576681, 9536098). Algorithms developed to predict the effect of sequence changes on RNA splicing suggest that this variant is not likely to affect RNA splicing. This variant has not been reported in the literature in individuals affected with MPDZ-related conditions. This sequence change falls in intron 16 of the MPDZ gene. It does not directly change the encoded amino acid sequence of the MPDZ protein. It affects a nucleotide within the consensus splice site.

Literature cited by the submitters: PubMed 17576681; PubMed 9536098.